The following is an entry in ClinVar:

ClinVar aggregate classification (germline): Uncertain significance (1 of 4 stars; one submission).

Conditions:
Kabuki syndrome. Also called: NIIKAWA-KUROKI SYNDROME; Kabuki make-up syndrome. Identifiers: Orphanet 2322, MedGen C0796004, MONDO:0016512.

Submission:

Labcorp Genetics (formerly Invitae), Labcorp
Classification: Uncertain significance for Kabuki syndrome. Last evaluated: 2021-09-15. Review status: criteria provided, single submitter. Criteria: Invitae Variant Classification Sherloc (09022015). Collection method: clinical testing. Allele origin: germline.
Comment: This variant is not present in population databases (ExAC no frequency). This sequence change replaces glycine with serine at codon 1384 of the KMT2D protein (p.Gly1384Ser). The glycine residue is highly conserved and there is a small physicochemical difference between glycine and serine. This variant has not been reported in the literature in individuals affected with KMT2D-related conditions. In summary, the available evidence is currently insufficient to determine the role of this variant in disease. Therefore, it has been classified as a Variant of Uncertain Significance. Algorithms developed to predict the effect of sequence changes on RNA splicing suggest that this variant may create or strengthen a splice site. Advanced modeling of protein sequence and biophysical properties (such as structural, functional, and spatial information, amino acid conservation, physicochemical variation, residue mobility, and thermodynamic stability) performed at Invitae indicates that this missense variant is expected to disrupt KMT2D protein function.

NM_003482.4(KMT2D):c.4150G>A (p.Gly1384Ser)

Gene: KMT2D (lysine methyltransferase 2D; minus strand). Cytogenetic location: 12q13.12.
Variant type: single nucleotide variant.
Coding change: c.4150G>A on transcript NM_003482.4 (MANE Select); coding-DNA position 4150, G replaced by A.
Protein change: p.Gly1384Ser; replaces glycine 1384 with serine.
Molecular consequence: missense variant.
Genome position (GRCh38, 1-based): chr12:49,048,051, C>T on the plus strand (G>A on the coding strand, the complement: KMT2D is on the minus strand). VCF-style: chr12-49048051-C-T. GRCh37 (hg19) VCF-style: chr12-49441834-C-T.
Other names: short protein forms G1384S.
Identifiers: ClinVar variation 1490858 (VCV001490858.6), dbSNP rs2120621090, ClinGen allele CA384649691.